The following is an entry in ClinVar:

ClinVar aggregate classification (germline): Uncertain significance (1 of 4 stars; one submission).

Submission:

Ambry Genetics
Classification: Uncertain significance. Last evaluated: 2025-05-24. Review status: criteria provided, single submitter. Criteria: Ambry Variant Classification Scheme 2023. Collection method: clinical testing. Allele origin: germline.
Comment: The p.A219G variant (also known as c.656C>G), located in coding exon 7 of the NEBL gene, results from a C to G substitution at nucleotide position 656. The alanine at codon 219 is replaced by glycine, an amino acid with similar properties. This amino acid position is conserved. In addition, the in silico prediction for this alteration is inconclusive. Based on the available evidence, the clinical significance of this variant remains unclear.

NM_006393.3(NEBL):c.656C>G (p.Ala219Gly)

Gene: NEBL (nebulette; minus strand). Cytogenetic location: 10p12.31.
Variant type: single nucleotide variant.
Coding change: c.656C>G on transcript NM_006393.3 (MANE Select); coding-DNA position 656, C replaced by G.
Protein change: p.Ala219Gly; replaces alanine 219 with glycine.
Molecular consequence: missense variant. On other transcripts: intron variant (9).
Genome position (GRCh38, 1-based): chr10:20,868,692, G>C on the plus strand (C>G on the coding strand, the complement: NEBL is on the minus strand). VCF-style: chr10-20868692-G-C. GRCh37 (hg19) VCF-style: chr10-21157621-G-C.
Other names: c.250-55752C>G (NM_001377326.1, NM_001377327.1, NM_001377328.1); c.358-55752C>G (NM_213569.2, NM_001173484.2, NM_001377322.1); c.301-55752C>G (NM_001377324.1); c.292-55752C>G (NM_001377325.1); c.310-55752C>G (NM_001377323.1); short protein forms A219G.
Identifiers: ClinVar variation 3918553 (VCV003918553.1).
Genomic context (GRCh38, chr10:20,868,692, plus strand): 5'-AAGTCATTGTGGAATCATCACTAAAGCCTTACTTGACTAGAAAGTTTAGAAGCTTCCACG[G>C]CATGTTCAAAATCTGGTCTTCCAATTACAGCGGGCTCTTTATTCATTATTCCTTGTCCTT-3'
Protein context (NP_006384.1, residues 209-229): AVIGRPDFEH[Ala219Gly]VEASKLSSQI